The following is an entry in ClinVar:

ClinVar aggregate classification (germline): Uncertain significance (1 of 4 stars; one submission).

Allele frequency attached by ClinVar (database versions not stated): gnomAD exomes below 0.00001.
gnomAD v4.1: 1 of 1,614,120 alleles (0.000062%); highest among the groups gnomAD compares: African/African-American, 0.0013%; no homozygotes.

Submission:

Labcorp Genetics (formerly Invitae), Labcorp
Classification: Uncertain significance. Last evaluated: 2022-08-16. Review status: criteria provided, single submitter. Criteria: Invitae Variant Classification Sherloc (09022015). Collection method: clinical testing. Allele origin: germline.
Comment: In summary, the available evidence is currently insufficient to determine the role of this variant in disease. Therefore, it has been classified as a Variant of Uncertain Significance. Algorithms developed to predict the effect of missense changes on protein structure and function (SIFT, PolyPhen-2, Align-GVGD) all suggest that this variant is likely to be tolerated. This variant has not been reported in the literature in individuals affected with ALPK3-related conditions. This variant is not present in population databases (gnomAD no frequency). This sequence change replaces glutamic acid, which is acidic and polar, with glutamine, which is neutral and polar, at codon 870 of the ALPK3 protein (p.Glu870Gln).

NM_020778.5(ALPK3):c.2002G>C (p.Glu668Gln)

Gene: ALPK3 (alpha kinase 3; plus strand). Cytogenetic location: 15q25.3.
Variant type: single nucleotide variant.
Coding change: c.2002G>C on transcript NM_020778.5 (MANE Select); coding-DNA position 2002, G replaced by C.
Protein change: p.Glu668Gln; replaces glutamic acid 668 with glutamine.
Molecular consequence: missense variant.
Genome position (GRCh38, 1-based): chr15:84,856,740, G>C. VCF-style: chr15-84856740-G-C. GRCh37 (hg19) VCF-style: chr15-85399971-G-C.
Other names: short protein forms E668Q.
Identifiers: ClinVar variation 2076268 (VCV002076268.4), dbSNP rs1963866451, ClinGen allele CA393355562.